The following is an entry in ClinVar:

NM_000520.6(HEXA):c.346+1G>T

Gene: HEXA (hexosaminidase subunit alpha; minus strand). Cytogenetic location: 15q23.
Variant type: single nucleotide variant.
Coding change: c.346+1G>T on transcript NM_000520.6 (MANE Select); the canonical splice donor site of the intron after coding-DNA position 346, G replaced by T.
Molecular consequence: splice donor variant.
Genome position (GRCh38, 1-based): chr15:72,356,524, C>A on the plus strand (G>T on the coding strand, the complement: HEXA is on the minus strand). VCF-style: chr15-72356524-C-A. GRCh37 (hg19) VCF-style: chr15-72648865-C-A.
Other names: c.379+1G>T (NM_001318825.2); c.346+1G>T (NM_000520.5).
Identifiers: ClinVar variation 556323 (VCV000556323.15), dbSNP rs797044432, ClinGen allele CA393067074.

ClinVar aggregate classification (germline): Pathogenic. Review status: criteria provided, multiple submitters, no conflicts (2 of 4 stars). 4 submissions from 4 submitters: Pathogenic (3). 1 of the submissions does not count toward it. Last evaluated 2026-01-24.

Conditions:
Tay-Sachs disease (TSD). Also called: HEXA Disorders; HEXA DEFICIENCY; Hexosaminidase A Deficiency; GM2 gangliosidosis, type 1; Hexosaminidase alpha-subunit deficiency (variant B); Sphingolipidosis, Tay-Sachs. Identifiers: Orphanet 845, MedGen C0039373, MONDO:0010100, OMIM 272800.
Inborn genetic diseases. Identifiers: MedGen C0950123, MeSH D030342.

Submissions (4):

Natera, Inc.
Classification: Pathogenic for Tay-Sachs disease. Last evaluated: 2026-01-24. Review status: criteria provided, single submitter. Criteria: Natera Variant Classification Schema (03/2026). Collection method: clinical testing. Allele origin: germline.
Comment: The c.346+1G>T variant in HEXA is a canonical splice donor site variant predicted to affect pre-mRNA splicing, which may result in an abnormal transcript and altered protein product. This variant is expected to result in nonsense mediated decay, truncation, or a dysfunctional protein product. This variant is rare in the general population with a frequency below the threshold expected for the associated phenotype(s). This variant has been observed in one or more individuals affected with the associated recessive disease, as either homozygous or compound heterozygous with a second variant (PMID: 36700853). Another variant at this same site results in an alteration predicted to cause a similar molecular effect has been observed in individual(s) with the associated phenotype. Given the available evidence, this variant is classified as Pathogenic.

Labcorp Genetics (formerly Invitae), Labcorp
Classification: Pathogenic for Tay-Sachs disease. Last evaluated: 2025-12-03. Review status: criteria provided, single submitter. Criteria: Invitae Variant Classification Sherloc (09022015). Collection method: clinical testing. Allele origin: germline.
Comment: This sequence change affects a donor splice site in intron 2 of the HEXA gene. It is expected to disrupt RNA splicing. Variants that disrupt the donor or acceptor splice site typically lead to a loss of protein function (PMID: 16199547), and loss-of-function variants in HEXA are known to be pathogenic (PMID: 1833974, 8490625). This variant is not present in population databases (gnomAD no frequency). Disruption of this splice site has been observed in individuals with Tay-Sachs disease (PMID: 1837283, 34554397). ClinVar contains an entry for this variant (Variation ID: 556323). Algorithms developed to predict the effect of sequence changes on RNA splicing suggest that this variant may disrupt the consensus splice site. For these reasons, this variant has been classified as Pathogenic.

Ambry Genetics
Classification: Pathogenic for Inborn genetic diseases. Last evaluated: 2017-09-25. Review status: criteria provided, single submitter. Criteria: Ambry Variant Classification Scheme 2023. Collection method: clinical testing. Allele origin: germline.
Comment: The c.346+1G>T intronic pathogenic mutation results from a G to T substitution one nucleotide after coding exon 2 of the HEXA gene. Another disease-causing mutation, c.346+1G>A, has been described at the same position (Akli S et al., Genomics. 1991;11(1):124-34). Alterations that disrupt the canonical splice site are expected to cause aberrant splicing, resulting in an abnormal protein or a transcript that is subject to nonsense-mediated mRNA decay.As such, this alteration is classified as a disease-causing mutation.

Counsyl
Classification: Likely pathogenic for Tay-Sachs disease. Last evaluated: 2018-01-24. Review status: no assertion criteria provided. Collection method: clinical testing. Allele origin: unknown. Not counted in ClinVar's aggregate classification.

Literature cited by the submitters: PubMed 36700853 (cited by Natera, Inc.); PubMed 16199547 (cited by Labcorp Genetics (formerly Invitae), Labcorp); PubMed 1833974 (cited by Labcorp Genetics (formerly Invitae), Labcorp); PubMed 8490625 (cited by Labcorp Genetics (formerly Invitae), Labcorp); PubMed 1837283 (cited by Labcorp Genetics (formerly Invitae), Labcorp); PubMed 34554397 (cited by Labcorp Genetics (formerly Invitae), Labcorp).